The following is an entry in ClinVar:

NM_014845.6(FIG4):c.1584-1G>T

Gene: FIG4 (FIG4 phosphoinositide 5-phosphatase; plus strand). Cytogenetic location: 6q21.
Variant type: single nucleotide variant.
Coding change: c.1584-1G>T on transcript NM_014845.6 (MANE Select); the canonical splice acceptor site of the intron before coding-DNA position 1584, G replaced by T.
Molecular consequence: splice acceptor variant.
Genome position (GRCh38, 1-based): chr6:109,766,728, G>T. VCF-style: chr6-109766728-G-T. GRCh37 (hg19) VCF-style: chr6-110087931-G-T.
Identifiers: ClinVar variation 2150610 (VCV002150610.7), dbSNP rs1432399232, ClinGen allele CA365228450.

ClinVar aggregate classification (germline): Likely pathogenic. Review status: criteria provided, multiple submitters, no conflicts (2 of 4 stars). 2 submissions from 2 submitters: Likely pathogenic (2). Last evaluated 2022-08-26.

Conditions:
Charcot-Marie-Tooth disease type 4. Also called: Charcot-Marie-Tooth, Type 4; Charcot-Marie-Tooth disease, type IV. Identifiers: Orphanet 64749, MedGen C4082197, MONDO:0018995.

Submissions (2):

Revvity Omics, Revvity
Classification: Likely pathogenic. Last evaluated: 2022-08-26. Review status: criteria provided, single submitter. Criteria: ACMG Guidelines, 2015. Collection method: clinical testing. Allele origin: germline.

Labcorp Genetics (formerly Invitae), Labcorp
Classification: Likely pathogenic for Charcot-Marie-Tooth disease type 4. Last evaluated: 2022-05-19. Review status: criteria provided, single submitter. Criteria: Invitae Variant Classification Sherloc (09022015). Collection method: clinical testing. Allele origin: germline.
Comment: This sequence change affects an acceptor splice site in intron 14 of the FIG4 gene. It is expected to disrupt RNA splicing. Variants that disrupt the donor or acceptor splice site typically lead to a loss of protein function (PMID: 16199547), and loss-of-function variants in FIG4 are known to be pathogenic (PMID: 23623387). This variant is not present in population databases (gnomAD no frequency). This variant has not been reported in the literature in individuals affected with FIG4-related conditions. Algorithms developed to predict the effect of sequence changes on RNA splicing suggest that this variant may disrupt the consensus splice site. In summary, the currently available evidence indicates that the variant is pathogenic, but additional data are needed to prove that conclusively. Therefore, this variant has been classified as Likely Pathogenic.

Literature cited by the submitters: PubMed 16199547 (cited by Labcorp Genetics (formerly Invitae), Labcorp); PubMed 23623387 (cited by Labcorp Genetics (formerly Invitae), Labcorp).